The following is an entry in ClinVar:

NM_000057.4(BLM):c.2493del (p.Thr832fs)

Gene: BLM (BLM RecQ like helicase; plus strand). Cytogenetic location: 15q26.1.
Variant type: Deletion.
Coding change: c.2493del on transcript NM_000057.4 (MANE Select); coding-DNA position 2493, one base deleted (C; older notation c.2493delC).
Protein change: p.Thr832fs; shifts the reading frame from threonine 832.
Molecular consequence: frameshift variant.
Genome position (GRCh38, 1-based): chr15:90,769,524, C deleted; the last of 2 consecutive C bases (chr15:90,769,523-90,769,524); deleting either gives the same sequence. VCF-style (leftmost placement, unchanged base first): chr15-90769522-GC-G. GRCh37 (hg19) VCF-style: chr15-91312752-GC-G.
Other names: c.1368del, p.Thr457fs (NM_001287248.2); c.2493del, p.Thr832fs (NM_001287246.2, NM_001287247.2); short protein forms T832fs, T457fs.
Identifiers: ClinVar variation 1369042 (VCV001369042.8), dbSNP rs2151166250, ClinGen allele CA2573151464.

ClinVar aggregate classification (germline): Pathogenic/Likely pathogenic. Review status: criteria provided, multiple submitters, no conflicts (2 of 4 stars). 3 submissions from 3 submitters: Pathogenic (2); Likely pathogenic (1). Last evaluated 2026-01-28.

Conditions:
BLM-related disorder. Also called: BLM-related condition.
Bloom syndrome (BLM). Also called: Bloom-Torre-Machacek syndrome. Identifiers: Orphanet 125, MedGen C0005859, MONDO:0008876, OMIM 210900.

Submissions (3):

Myriad Genetics, Inc.
Classification: Pathogenic for Bloom syndrome. Last evaluated: 2026-01-28. Review status: criteria provided, single submitter. Criteria: Myriad Autosomal Dominant, Autosomal Recessive and X-Linked Classification Criteria (2023). Collection method: clinical testing. Allele origin: unknown.
Comment: NM_000057.3(BLM):c.2493delC(T832Qfs*11) is a frameshift variant classified as pathogenic in the context of Bloom syndrome. T832Qfs*11 has not been observed in cases with relevant disease. Relevant functional assessments of this variant are not available in the literature. T832Qfs*11 has not been observed in referenced population frequency databases. In summary, NM_000057.3(BLM):c.2493delC(T832Qfs*11) is a frameshift variant in a gene where loss of function is a known mechanism of disease and is predicted to disrupt protein function. Please note: this variant was assessed in the context of healthy population screening.

Labcorp Genetics (formerly Invitae), Labcorp
Classification: Pathogenic for Bloom syndrome. Last evaluated: 2021-04-13. Review status: criteria provided, single submitter. Criteria: Invitae Variant Classification Sherloc (09022015). Collection method: clinical testing. Allele origin: germline.
Comment: This sequence change creates a premature translational stop signal (p.Thr832Glnfs*11) in the BLM gene. It is expected to result in an absent or disrupted protein product. Loss-of-function variants in BLM are known to be pathogenic (PMID: 17407155). This variant is not present in population databases (ExAC no frequency). This variant has not been reported in the literature in individuals with BLM-related conditions. For these reasons, this variant has been classified as Pathogenic.

Blueprint Genetics
Classification: Likely pathogenic for BLM-related disorders. Last evaluated: 2020-12-07. Review status: criteria provided, single submitter. Criteria: ACMG Guidelines, 2015. Collection method: clinical testing. Allele origin: germline. Affected: yes. Observed: 1 variant allele.

Literature cited by the submitters: PubMed 17407155 (cited by Labcorp Genetics (formerly Invitae), Labcorp).